The following is an entry in ClinVar:

ClinVar aggregate classification (germline): Uncertain significance. Review status: criteria provided, multiple submitters, no conflicts (2 of 4 stars). 2 submissions from 2 submitters: Uncertain significance (2). Last evaluated 2025-12-21.

Conditions:
Cardiovascular phenotype. Identifiers: MedGen CN230736.
Osteogenesis imperfecta type I (OI1). Also called: OI, TYPE I; OSTEOGENESIS IMPERFECTA TARDA; OSTEOGENESIS IMPERFECTA WITH BLUE SCLERAE; Lobstein's Disease; Classic Non-deforming Osteogenesis Imperfecta with Blue Sclerae; Lobstein disease. Identifiers: Orphanet 216796, Orphanet 666, MedGen C0023931, MONDO:0008146, OMIM 166200. Disease mechanism: loss of function.
Ehlers-Danlos syndrome, classic type, 1 (EDSCL1). Also called: Ehlers-Danlos Syndrome, Classic Type, COL5A1-Related; EDS I; Ehlers-Danlos syndrome, type 1; EHLERS-DANLOS SYNDROME, GRAVIS TYPE; EHLERS-DANLOS SYNDROME, SEVERE CLASSIC TYPE. Identifiers: MedGen C0268335, MONDO:0019567, OMIM 130000.

Allele frequency attached by ClinVar (database versions not stated): TOPMed 0.00002; gnomAD 0.00001; gnomAD exomes 0.00001; ExAC 0.00001.
gnomAD v4.1: 18 of 1,612,692 alleles (0.0011%); highest among the groups gnomAD compares: African/African-American, 0.0027%; no homozygotes.

Submissions (2):

Ambry Genetics
Classification: Uncertain significance for Cardiovascular phenotype. Last evaluated: 2025-12-21. Review status: criteria provided, single submitter. Criteria: Ambry Variant Classification Scheme 2023. Collection method: clinical testing. Allele origin: germline.
Comment: The p.R675C variant (also known as c.2023C>T), located in coding exon 33 of the COL1A2 gene, results from a C to T substitution at nucleotide position 2023. The arginine at codon 675 is replaced by cysteine, an amino acid with highly dissimilar properties. This amino acid position is conserved. In addition, this alteration is predicted to be deleterious by in silico analysis. Based on the available evidence, the clinical significance of this variant remains unclear.

Labcorp Genetics (formerly Invitae), Labcorp
Classification: Uncertain significance for Osteogenesis imperfecta type I; Ehlers-Danlos syndrome, classic type, 1. Last evaluated: 2025-10-27. Review status: criteria provided, single submitter. Criteria: Invitae Variant Classification Sherloc (09022015). Collection method: clinical testing. Allele origin: germline.
Comment: This sequence change replaces arginine, which is basic and polar, with cysteine, which is neutral and slightly polar, at codon 675 of the COL1A2 protein (p.Arg675Cys). This variant is present in population databases (rs778295967, gnomAD 0.008%). This missense change has been observed in individual(s) with clinical features of osteogenesis imperfecta (internal data). ClinVar contains an entry for this variant (Variation ID: 580439). Experimental studies and prediction algorithms are not available or were not evaluated, and the functional significance of this variant is currently unknown. In summary, the available evidence is currently insufficient to determine the role of this variant in disease. Therefore, it has been classified as a Variant of Uncertain Significance.

NM_000089.4(COL1A2):c.2023C>T (p.Arg675Cys)

Gene: COL1A2 (collagen type I alpha 2 chain; plus strand). Cytogenetic location: 7q21.3.
Variant type: single nucleotide variant.
Coding change: c.2023C>T on transcript NM_000089.4 (MANE Select); coding-DNA position 2023, C replaced by T.
Protein change: p.Arg675Cys; replaces arginine 675 with cysteine.
Molecular consequence: missense variant.
Genome position (GRCh38, 1-based): chr7:94,418,550, C>T. VCF-style: chr7-94418550-C-T. GRCh37 (hg19) VCF-style: chr7-94047862-C-T.
Other names: short protein forms R675C.
Identifiers: ClinVar variation 580439 (VCV000580439.11), dbSNP rs778295967, ClinGen allele CA4347255.